The following is an entry in ClinVar:

NM_014974.3(DIP2C):c.2341G>A (p.Val781Met)

Genes: DIP2C (DIP2 acetate--CoA ligase C (putative); minus strand), LOC126860806 (MED14-independent group 3 enhancer GRCh37_chr10:409736-410935; plus strand). Cytogenetic location: 10p15.3.
Variant type: single nucleotide variant.
Coding change: c.2341G>A on transcript NM_014974.3 (MANE Select); coding-DNA position 2341, G replaced by A.
Protein change: p.Val781Met; replaces valine 781 with methionine.
Molecular consequence: missense variant.
Genome position (GRCh38, 1-based): chr10:364,510, C>T on the plus strand (G>A on the coding strand, the complement: DIP2C is on the minus strand). VCF-style: chr10-364510-C-T. GRCh37 (hg19) VCF-style: chr10-410450-C-T.
Other names: short protein forms V781M.
Identifiers: ClinVar variation 1490321 (VCV001490321.8), dbSNP rs143263010, ClinGen allele CA5380465.

ClinVar aggregate classification (germline): Uncertain significance (1 of 4 stars; one submission).

Allele frequency attached by ClinVar (database versions not stated): ExAC 0.00005; ESP Exome Variant Server 0.00008; gnomAD 0.00001.
gnomAD v4.1: 41 of 1,614,074 alleles (0.0025%); highest among the groups gnomAD compares: East Asian, 0.022%; no homozygotes.

Submission:

Labcorp Genetics (formerly Invitae), Labcorp
Classification: Uncertain significance. Last evaluated: 2024-11-14. Review status: criteria provided, single submitter. Criteria: Invitae Variant Classification Sherloc (09022015). Collection method: clinical testing. Allele origin: germline.
Comment: This sequence change replaces valine, which is neutral and non-polar, with methionine, which is neutral and non-polar, at codon 781 of the DIP2C protein (p.Val781Met). This variant is present in population databases (rs143263010, gnomAD 0.06%), and has an allele count higher than expected for a pathogenic variant. This variant has not been reported in the literature in individuals affected with DIP2C-related conditions. ClinVar contains an entry for this variant (Variation ID: 1490321). An algorithm developed to predict the effect of missense changes on protein structure and function (PolyPhen-2) suggests that this variant is likely to be tolerated. In summary, the available evidence is currently insufficient to determine the role of this variant in disease. Therefore, it has been classified as a Variant of Uncertain Significance.